The following is an entry in ClinVar:

NM_058216.3(RAD51C):c.833T>G (p.Leu278Ter)

Gene: RAD51C (RAD51 paralog C; plus strand). Cytogenetic location: 17q22.
Variant type: single nucleotide variant.
Coding change: c.833T>G on transcript NM_058216.3 (MANE Select); coding-DNA position 833, T replaced by G.
Protein change: p.Leu278Ter; replaces leucine 278 with a stop codon.
Molecular consequence: nonsense. On other transcripts: non-coding transcript variant (1).
Genome position (GRCh38, 1-based): chr17:58,709,986, T>G. VCF-style: chr17-58709986-T-G. GRCh37 (hg19) VCF-style: chr17-56787347-T-G.
Other names: c.*261T>G (NM_058217.1); short protein forms L278*.
Identifiers: ClinVar variation 3148144 (VCV003148144.2), dbSNP rs1555599274, ClinGen allele CA400354500.

ClinVar aggregate classification (germline): Pathogenic. Review status: criteria provided, multiple submitters, no conflicts (2 of 4 stars). 2 submissions from 2 submitters: Pathogenic (2). Last evaluated 2025-08-05.

Conditions:
Hereditary cancer-predisposing syndrome. Also called: Neoplastic Syndromes, Hereditary; Tumor predisposition; Hereditary neoplastic syndrome; Hereditary Cancer Syndrome. Identifiers: Orphanet 140162, MedGen C0027672, MeSH D009386, MONDO:0015356.
Breast-ovarian cancer, familial, susceptibility to, 3. Also called: RAD51C-Related Breast/Ovarian Cancer. Identifiers: Orphanet 145, MedGen C3150659, MONDO:0013253, OMIM 613399.

Submissions (2):

Ambry Genetics
Classification: Pathogenic for Hereditary cancer-predisposing syndrome. Last evaluated: 2025-08-05. Review status: criteria provided, single submitter. Criteria: Ambry Variant Classification Scheme 2023. Collection method: clinical testing. Allele origin: germline.
Comment: The p.L278* pathogenic mutation (also known as c.833T>G), located in coding exon 5 of the RAD51C gene, results from a T to G substitution at nucleotide position 833. This changes the amino acid from a leucine to a stop codon within coding exon 5. This variant is considered to be rare based on population cohorts in the Genome Aggregation Database (gnomAD). This alteration is expected to result in loss of function by premature protein truncation or nonsense-mediated mRNA decay. As such, this alteration is interpreted as a disease-causing mutation.

Myriad Genetics, Inc.
Classification: Pathogenic for Breast-ovarian cancer, familial, susceptibility to, 3. Last evaluated: 2024-01-03. Review status: criteria provided, single submitter. Criteria: Myriad Autosomal Dominant, Autosomal Recessive and X-Linked Classification Criteria (2023). Collection method: clinical testing. Allele origin: unknown.
Comment: This variant is considered pathogenic. This variant creates a termination codon and is predicted to result in premature protein truncation.